The following is an entry in ClinVar:

ClinVar aggregate classification (germline): Uncertain significance (1 of 4 stars; one submission).

Submission:

Labcorp Genetics (formerly Invitae), Labcorp
Classification: Uncertain significance. Last evaluated: 2023-08-17. Review status: criteria provided, single submitter. Criteria: Invitae Variant Classification Sherloc (09022015). Collection method: clinical testing. Allele origin: germline.
Comment: This variant is not present in population databases (gnomAD no frequency). This sequence change replaces valine, which is neutral and non-polar, with alanine, which is neutral and non-polar, at codon 317 of the FAT2 protein (p.Val317Ala). This variant has not been reported in the literature in individuals affected with FAT2-related conditions. In summary, the available evidence is currently insufficient to determine the role of this variant in disease. Therefore, it has been classified as a Variant of Uncertain Significance. Algorithms developed to predict the effect of missense changes on protein structure and function output the following: SIFT: "Not Available"; PolyPhen-2: "Benign"; Align-GVGD: "Not Available". The alanine amino acid residue is found in multiple mammalian species, which suggests that this missense change does not adversely affect protein function.

NM_001447.3(FAT2):c.950T>C (p.Val317Ala)

Gene: FAT2 (FAT atypical cadherin 2; minus strand). Cytogenetic location: 5q33.1.
Variant type: single nucleotide variant.
Coding change: c.950T>C on transcript NM_001447.3 (MANE Select); coding-DNA position 950, T replaced by C.
Protein change: p.Val317Ala; replaces valine 317 with alanine.
Molecular consequence: missense variant.
Genome position (GRCh38, 1-based): chr5:151,567,982, A>G on the plus strand (T>C on the coding strand, the complement: FAT2 is on the minus strand). VCF-style: chr5-151567982-A-G. GRCh37 (hg19) VCF-style: chr5-150947543-A-G.
Other names: short protein forms V317A.
Identifiers: ClinVar variation 2897108 (VCV002897108.3), dbSNP rs2480029484, ClinGen allele CA361814427.
Genomic context (GRCh38, chr5:151,567,982, plus strand): 5'-CTCCTGGCCTGGAGGCTGAGGTTGAACCCATGAAGGTACTCCATCCAGTTGATGTCTTTG[A>G]CAGACACCAAACTGAACTCATTGCTCCGGGCATAAGACTTGATGGCTTTGAAGTGCTTTC-3'
Protein context (NP_001438.1, residues 307-327): ARSNEFSLVS[Val317Ala]KDINWMEYLH